The following is an entry in ClinVar:

NM_052840.5(CELF6):c.21G>A (p.Gly7=)

Genes: CELF6 (CUGBP Elav-like family member 6; minus strand), LOC130057472 (ATAC-STARR-seq lymphoblastoid silent region 6621; plus strand). Cytogenetic location: 15q23.
Variant type: single nucleotide variant.
Coding change: c.21G>A on transcript NM_052840.5 (MANE Select); coding-DNA position 21, G replaced by A.
Protein change: p.Gly7=; no amino-acid change (glycine 7 retained).
Molecular consequence: synonymous variant.
Genome position (GRCh38, 1-based): chr15:72,319,854, C>T on the plus strand (G>A on the coding strand, the complement: CELF6 is on the minus strand). VCF-style: chr15-72319854-C-T. GRCh37 (hg19) VCF-style: chr15-72612195-C-T.
Other names: c.21G>A, p.Gly7= (NM_001172684.2).
Identifiers: ClinVar variation 3041670 (VCV003041670.2), dbSNP rs544676808, ClinGen allele CA7644621.

ClinVar aggregate classification (germline): Benign (0 of 4 stars; one submission).

Conditions:
CELF6-related disorder. Also called: CELF6-related condition.

Allele frequency attached by ClinVar (database versions not stated): 1000 Genomes Project 0.00060; 1000 Genomes Project 30x 0.00062; ExAC 0.00097; TOPMed 0.00345; gnomAD 0.00436; gnomAD exomes 0.00577.
gnomAD v4.1: 8,470 of 1,524,630 alleles (0.56%); highest among the groups gnomAD compares: Non-Finnish European, 0.64%; 28 homozygotes.

Submission:

PreventionGenetics, part of Exact Sciences
Classification: Benign for CELF6-related condition. Last evaluated: 2022-05-24. Review status: no assertion criteria provided. Collection method: clinical testing. Allele origin: germline.
Comment: This variant is classified as benign based on ACMG/AMP sequence variant interpretation guidelines (Richards et al. 2015 PMID: 25741868, with internal and published modifications).